The following is an entry in ClinVar:

ClinVar aggregate classification (germline): Uncertain significance (1 of 4 stars; one submission).

Submission:

Labcorp Genetics (formerly Invitae), Labcorp
Classification: Uncertain significance. Last evaluated: 2025-02-17. Review status: criteria provided, single submitter. Criteria: Invitae Variant Classification Sherloc (09022015). Collection method: clinical testing. Allele origin: germline.
Comment: This sequence change replaces valine, which is neutral and non-polar, with leucine, which is neutral and non-polar, at codon 3880 of the DNAH9 protein (p.Val3880Leu). This variant is not present in population databases (gnomAD no frequency). This variant has not been reported in the literature in individuals affected with DNAH9-related conditions. ClinVar contains an entry for this variant (Variation ID: 1461463). Invitae Evidence Modeling of protein sequence and biophysical properties (such as structural, functional, and spatial information, amino acid conservation, physicochemical variation, residue mobility, and thermodynamic stability) indicates that this missense variant is not expected to disrupt DNAH9 protein function with a negative predictive value of 80%. In summary, the available evidence is currently insufficient to determine the role of this variant in disease. Therefore, it has been classified as a Variant of Uncertain Significance.

NM_001372.4(DNAH9):c.11638G>T (p.Val3880Leu)

Gene: DNAH9 (dynein axonemal heavy chain 9; plus strand). Cytogenetic location: 17p12.
Variant type: single nucleotide variant.
Coding change: c.11638G>T on transcript NM_001372.4 (MANE Select); coding-DNA position 11638, G replaced by T.
Protein change: p.Val3880Leu; replaces valine 3880 with leucine.
Molecular consequence: missense variant.
Genome position (GRCh38, 1-based): chr17:11,905,698, G>T. VCF-style: chr17-11905698-G-T. GRCh37 (hg19) VCF-style: chr17-11809015-G-T.
Other names: c.574G>T, p.Val192Leu (NM_004662.2); short protein forms V192L, V3880L.
Identifiers: ClinVar variation 1461463 (VCV001461463.7), dbSNP rs2151015585, ClinGen allele CA398205095.